The following is an entry in ClinVar:

ClinVar aggregate classification (germline): Uncertain significance. Review status: criteria provided, multiple submitters, no conflicts (2 of 4 stars). 2 submissions from 2 submitters: Uncertain significance (2). Last evaluated 2024-04-25.

Conditions:
Joubert syndrome. Also called: Familial aplasia of the vermis; JOUBERT-BOLTSHAUSER SYNDROME. Identifiers: Orphanet 475, MedGen C5979921, MONDO:0018772.

Allele frequency attached by ClinVar (database versions not stated): gnomAD exomes 0.00001; TOPMed 0.00001; ExAC 0.00002.

Submissions (2):

Labcorp Genetics (formerly Invitae), Labcorp
Classification: Uncertain significance for Joubert syndrome. Last evaluated: 2024-04-25. Review status: criteria provided, single submitter. Criteria: Invitae Variant Classification Sherloc (09022015). Collection method: clinical testing. Allele origin: germline.
Comment: This sequence change replaces arginine, which is basic and polar, with glutamine, which is neutral and polar, at codon 346 of the INPP5E protein (p.Arg346Gln). The frequency data for this variant in the population databases is considered unreliable, as metrics indicate poor data quality at this position in the gnomAD database. This variant has not been reported in the literature in individuals affected with INPP5E-related conditions. ClinVar contains an entry for this variant (Variation ID: 1896888). An algorithm developed to predict the effect of missense changes on protein structure and function (PolyPhen-2) suggests that this variant¬†is likely to be tolerated. In summary, the available evidence is currently insufficient to determine the role of this variant in disease. Therefore, it has been classified as a Variant of Uncertain Significance.

Blueprint Genetics
Classification: Uncertain significance. Last evaluated: 2024-02-09. Review status: criteria provided, single submitter. Criteria: ACMG Guidelines, 2015. Collection method: clinical testing. Allele origin: germline.

NM_019892.6(INPP5E):c.1037G>A (p.Arg346Gln)

Gene: INPP5E (inositol polyphosphate-5-phosphatase E; minus strand). Cytogenetic location: 9q34.3.
Variant type: single nucleotide variant.
Coding change: c.1037G>A on transcript NM_019892.6 (MANE Select); coding-DNA position 1037, G replaced by A.
Protein change: p.Arg346Gln; replaces arginine 346 with glutamine.
Molecular consequence: missense variant.
Genome position (GRCh38, 1-based): chr9:136,433,277, C>T on the plus strand (G>A on the coding strand, the complement: INPP5E is on the minus strand). VCF-style: chr9-136433277-C-T. GRCh37 (hg19) VCF-style: chr9-139327729-C-T.
Other names: c.1037G>A, p.Arg346Gln (NM_001318502.2); short protein forms R346Q.
Identifiers: ClinVar variation 1896888 (VCV001896888.5), dbSNP rs762071368, ClinGen allele CA5336964.